The following is an entry in ClinVar:

NM_006206.6(PDGFRA):c.933G>C (p.Glu311Asp)

Gene: PDGFRA (platelet derived growth factor receptor alpha; plus strand). Cytogenetic location: 4q12.
Variant type: single nucleotide variant.
Coding change: c.933G>C on transcript NM_006206.6 (MANE Select); coding-DNA position 933, G replaced by C.
Protein change: p.Glu311Asp; replaces glutamic acid 311 with aspartic acid.
Molecular consequence: missense variant.
Genome position (GRCh38, 1-based): chr4:54,267,553, G>C. VCF-style: chr4-54267553-G-C. GRCh37 (hg19) VCF-style: chr4-55133720-G-C.
Other names: c.933G>C, p.Glu311Asp (NM_001347827.2, NM_001347829.2); c.1008G>C, p.Glu336Asp (NM_001347828.2); c.972G>C, p.Glu324Asp (NM_001347830.2); short protein forms E311D, E324D, E336D.
Identifiers: ClinVar variation 1034974 (VCV001034974.18), dbSNP rs780863118, ClinGen allele CA356891432.

ClinVar aggregate classification (germline): Uncertain significance. Review status: criteria provided, multiple submitters, no conflicts (2 of 4 stars). 2 submissions from 2 submitters: Uncertain significance (2). Last evaluated 2022-02-26.

Conditions:
Gastrointestinal stromal tumor. Also called: Gastrointestinal stromal tumor, somatic; Gastrointestinal stroma tumor. Identifiers: Orphanet 44890, MedGen C0238198, MeSH D046152, MONDO:0011719, OMIM 606764, HP:0100723.
Hereditary cancer-predisposing syndrome. Also called: Tumor predisposition; Neoplastic Syndromes, Hereditary; Hereditary neoplastic syndrome; Hereditary Cancer Syndrome. Identifiers: Orphanet 140162, MedGen C0027672, MeSH D009386, MONDO:0015356.

Submissions (2):

Ambry Genetics
Classification: Uncertain significance for Hereditary cancer-predisposing syndrome. Last evaluated: 2022-02-26. Review status: criteria provided, single submitter. Criteria: Ambry Variant Classification Scheme 2023. Collection method: clinical testing. Allele origin: germline.
Comment: The p.E311D variant (also known as c.933G>C), located in coding exon 6 of the PDGFRA gene, results from a G to C substitution at nucleotide position 933. The glutamic acid at codon 311 is replaced by aspartic acid, an amino acid with highly similar properties. This amino acid position is conserved. In addition, this alteration is predicted to be tolerated by in silico analysis. Since supporting evidence is limited at this time, the clinical significance of this alteration remains unclear.

Labcorp Genetics (formerly Invitae), Labcorp
Classification: Uncertain significance for Gastrointestinal stromal tumor. Last evaluated: 2020-01-08. Review status: criteria provided, single submitter. Criteria: Invitae Variant Classification Sherloc (09022015). Collection method: clinical testing. Allele origin: germline.
Comment: This variant is not present in population databases (ExAC no frequency). This sequence change replaces glutamic acid with aspartic acid at codon 311 of the PDGFRA protein (p.Glu311Asp). The glutamic acid residue is moderately conserved and there is a small physicochemical difference between glutamic acid and aspartic acid. In summary, the available evidence is currently insufficient to determine the role of this variant in disease. Therefore, it has been classified as a Variant of Uncertain Significance. Algorithms developed to predict the effect of missense changes on protein structure and function (SIFT, PolyPhen-2, Align-GVGD) all suggest that this variant is likely to be tolerated, but these predictions have not been confirmed by published functional studies and their clinical significance is uncertain. This variant has not been reported in the literature in individuals with PDGFRA-related conditions.